The following is an entry in ClinVar:

NM_000059.4(BRCA2):c.1728T>A (p.Asn576Lys)

Gene: BRCA2 (BRCA2 DNA repair associated; plus strand). Cytogenetic location: 13q13.1.
Variant type: single nucleotide variant.
Coding change: c.1728T>A on transcript NM_000059.4 (MANE Select); coding-DNA position 1728, T replaced by A.
Protein change: p.Asn576Lys; replaces asparagine 576 with lysine.
Molecular consequence: missense variant.
Genome position (GRCh38, 1-based): chr13:32,333,206, T>A. VCF-style: chr13-32333206-T-A. GRCh37 (hg19) VCF-style: chr13-32907343-T-A.
Other names: short protein forms N576K.
Identifiers: ClinVar variation 531269 (VCV000531269.15), dbSNP rs1555282035, ClinGen allele CA387765371.
Genomic context (GRCh38, chr13:32,333,206, plus strand): 5'-TTTAATTGATAATGGAAGCTGGCCAGCCACCACCACACAGAATTCTGTAGCTTTGAAGAA[T>A]GCAGGTTTAATATCCACTTTGAAAAAGAAAACAAATAAGTTTATTTATGCTATACATGAT-3'
Protein context (NP_000050.3, residues 566-586): TTTQNSVALK[Asn576Lys]AGLISTLKKK

ClinVar aggregate classification (germline): Conflicting classifications of pathogenicity. Review status: criteria provided, conflicting classifications (1 of 4 stars). 5 submissions from 5 submitters: Uncertain significance (3); Likely benign (2). Last evaluated 2025-06-23.

Conditions:
Hereditary breast ovarian cancer syndrome. Also called: Hereditary breast and ovarian cancer syndrome (HBOC); BRCA1- and BRCA2-Associated Hereditary Breast and Ovarian Cancer; Hereditary breast and ovarian cancer syndrome; Breast and ovarian cancer; Hereditary breast and ovarian cancer; Hereditary breast and/or ovarian cancer syndrome. Identifiers: Orphanet 145, MedGen C0677776, MeSH D061325, MONDO:0003582. Disease mechanism: loss of function.
Hereditary cancer-predisposing syndrome. Also called: Hereditary neoplastic syndrome; Neoplastic Syndromes, Hereditary; Tumor predisposition; Hereditary Cancer Syndrome. Identifiers: Orphanet 140162, MedGen C0027672, MeSH D009386, MONDO:0015356.

Allele frequency attached by ClinVar (database versions not stated): gnomAD exomes below 0.00001.
gnomAD v4.1: 5 of 1,613,700 alleles (0.00031%); highest among the groups gnomAD compares: Non-Finnish European, 0.00042%; no homozygotes.

Submissions (5):

Color Diagnostics, LLC DBA Color Health
Classification: Uncertain significance for Hereditary cancer-predisposing syndrome. Last evaluated: 2025-06-23. Review status: criteria provided, single submitter. Criteria: ACMG Guidelines, 2015. Collection method: clinical testing. Allele origin: germline.
Comment: This missense variant replaces asparagine with lysine at codon 576 of the BRCA2 protein. Computational prediction suggests that this variant may not impact protein structure and function. To our knowledge, functional studies have not been reported for this variant. This variant has not been reported in individuals affected with BRCA2-related disorders in the literature. This variant has not been identified in the general population by the Genome Aggregation Database (gnomAD). The available evidence is insufficient to determine the role of this variant in disease conclusively. Therefore, this variant is classified as a Variant of Uncertain Significance.

Ambry Genetics
Classification: Likely benign for Hereditary cancer-predisposing syndrome. Last evaluated: 2024-12-31. Review status: criteria provided, single submitter. Criteria: Ambry Variant Classification Scheme 2023. Collection method: clinical testing. Allele origin: germline.

University of Washington Department of Laboratory Medicine, University of Washington
Classification: Likely benign for Hereditary cancer-predisposing syndrome. Last evaluated: 2023-03-23. Review status: criteria provided, single submitter. Criteria: Dines et al. (Genet Med. 2020). Collection method: curation. Allele origin: germline.
Comment: Missense variant in a coldspot region where missense variants are very unlikely to be pathogenic (PMID:31911673).

BRCA2 exon 10 coldspot. Reclassification based on statistical prior probability.

Women's Health and Genetics/Laboratory Corporation of America, LabCorp
Classification: Uncertain significance. Last evaluated: 2022-12-02. Review status: criteria provided, single submitter. Criteria: LabCorp Variant Classification Summary - May 2015. Collection method: clinical testing. Allele origin: germline.

Labcorp Genetics (formerly Invitae), Labcorp
Classification: Uncertain significance for Hereditary breast ovarian cancer syndrome. Last evaluated: 2022-10-26. Review status: criteria provided, single submitter. Criteria: Invitae Variant Classification Sherloc (09022015). Collection method: clinical testing. Allele origin: germline.
Comment: This sequence change replaces asparagine, which is neutral and polar, with lysine, which is basic and polar, at codon 576 of the BRCA2 protein (p.Asn576Lys). This variant is not present in population databases (gnomAD no frequency). This variant has not been reported in the literature in individuals affected with BRCA2-related conditions. ClinVar contains an entry for this variant (Variation ID: 531269). Advanced modeling of protein sequence and biophysical properties (such as structural, functional, and spatial information, amino acid conservation, physicochemical variation, residue mobility, and thermodynamic stability) performed at Invitae indicates that this missense variant is not expected to disrupt BRCA2 protein function. In summary, the available evidence is currently insufficient to determine the role of this variant in disease. Therefore, it has been classified as a Variant of Uncertain Significance.